The following is an entry in ClinVar:

NM_001001331.4(ATP2B2):c.1952G>A (p.Arg651His)

Gene: ATP2B2 (ATPase plasma membrane Ca2+ transporting 2; minus strand). Cytogenetic location: 3p25.3.
Variant type: single nucleotide variant.
Coding change: c.1952G>A on transcript NM_001001331.4 (MANE Select); coding-DNA position 1952, G replaced by A.
Protein change: p.Arg651His; replaces arginine 651 with histidine.
Molecular consequence: missense variant.
Genome position (GRCh38, 1-based): chr3:10,358,875, C>T on the plus strand (G>A on the coding strand, the complement: ATP2B2 is on the minus strand). VCF-style: chr3-10358875-C-T. GRCh37 (hg19) VCF-style: chr3-10400559-C-T.
Other names: c.1817G>A, p.Arg606His (NM_001330611.3, NM_001353564.1, NM_001363862.1 and 2 more transcripts); c.1859G>A, p.Arg620His (NM_001438646.1); c.1817G>A (NM_001683.3); short protein forms R606H, R620H, R651H.
Identifiers: ClinVar variation 4755267 (VCV004755267.2).

ClinVar aggregate classification (germline): Conflicting classifications of pathogenicity. Review status: criteria provided, conflicting classifications (1 of 4 stars). 2 submissions from 2 submitters: Uncertain significance (1); Likely benign (1). Last evaluated 2026-09-25.

Conditions:
ATP2B2-related disorder. Also called: ATP2B2-related condition.

gnomAD v4.1: 76 of 1,613,986 alleles (0.0047%); highest among the groups gnomAD compares: Admixed American, 0.012%; no homozygotes.

Submissions (2):

PreventionGenetics, part of Exact Sciences
Classification: Uncertain significance for ATP2B2-related condition. Last evaluated: 2026-09-25. Review status: criteria provided, single submitter. Criteria: ACMG Guidelines, 2015. Collection method: clinical testing. Allele origin: germline.
Comment: The ATP2B2 c.1817G>A variant is predicted to result in the amino acid substitution p.Arg606His. To our knowledge, this variant has not been reported in the literature. This variant is reported in 0.15% of alleles in individuals of Ashkenazi Jewish descent in gnomAD. Although we suspect that this variant may be benign, at this time, the clinical significance of this variant is uncertain due to the absence of conclusive functional and genetic evidence.

Labcorp Genetics (formerly Invitae), Labcorp
Classification: Likely benign. Last evaluated: 2026-01-23. Review status: criteria provided, single submitter. Criteria: Invitae Variant Classification Sherloc (09022015). Collection method: clinical testing. Allele origin: germline.